The following is an entry in ClinVar:

ClinVar aggregate classification (germline): Uncertain significance (1 of 4 stars; one submission).

Submission:

GeneDx
Classification: Uncertain significance. Last evaluated: 2024-06-25. Review status: criteria provided, single submitter. Criteria: GeneDx Variant Classification Process June 2021. Collection method: clinical testing. Allele origin: germline. Affected: yes.
Comment: Not observed at significant frequency in large population cohorts (gnomAD); In silico analysis supports that this missense variant has a deleterious effect on protein structure/function; Has not been previously published as pathogenic or benign to our knowledge

NM_020706.2(SCAF4):c.1477A>G (p.Lys493Glu)

Gene: SCAF4 (SR-related CTD associated factor 4; minus strand). Cytogenetic location: 21q22.11.
Variant type: single nucleotide variant.
Coding change: c.1477A>G on transcript NM_020706.2 (MANE Select); coding-DNA position 1477, A replaced by G.
Protein change: p.Lys493Glu; replaces lysine 493 with glutamic acid.
Molecular consequence: missense variant.
Genome position (GRCh38, 1-based): chr21:31,693,330, T>C on the plus strand (A>G on the coding strand, the complement: SCAF4 is on the minus strand). VCF-style: chr21-31693330-T-C. GRCh37 (hg19) VCF-style: chr21-33065643-T-C.
Other names: c.1432A>G, p.Lys478Glu (NM_001145444.1); c.1477A>G, p.Lys493Glu (NM_001145445.1); short protein forms K478E, K493E.
Identifiers: ClinVar variation 3392866 (VCV003392866.1).